The following is an entry in ClinVar:

ClinVar aggregate classification (germline): Uncertain significance. Review status: criteria provided, multiple submitters, no conflicts (2 of 4 stars). 2 submissions from 2 submitters: Uncertain significance (2). Last evaluated 2025-06-15.

Allele frequency attached by ClinVar (database versions not stated): TOPMed 0.00003; gnomAD exomes below 0.00001 and 0.00001; gnomAD 0.00003.
gnomAD v4.1: 11 of 1,613,956 alleles (0.00068%); highest among the groups gnomAD compares: Non-Finnish European, 0.00093%; no homozygotes.

Submissions (2):

GeneDx
Classification: Uncertain significance. Last evaluated: 2025-06-15. Review status: criteria provided, single submitter. Criteria: GeneDx Variant Classification Process June 2021. Collection method: clinical testing. Allele origin: germline.
Comment: Not observed at significant frequency in large population cohorts (gnomAD); In silico analysis suggests that this missense variant does not alter protein structure/function; Has not been previously published as pathogenic or benign to our knowledge

Genetic Services Laboratory, University of Chicago
Classification: Uncertain significance. Last evaluated: 2015-06-25. Review status: criteria provided, single submitter. Criteria: ACMG Guidelines, 2015. Collection method: clinical testing. Allele origin: germline.

NM_006947.4(SRP72):c.1871C>T (p.Thr624Ile)

Gene: SRP72 (signal recognition particle 72; plus strand). Cytogenetic location: 4q12.
Variant type: single nucleotide variant.
Coding change: c.1871C>T on transcript NM_006947.4 (MANE Select); coding-DNA position 1871, C replaced by T.
Protein change: p.Thr624Ile; replaces threonine 624 with isoleucine.
Molecular consequence: missense variant. On other transcripts: non-coding transcript variant (1).
Genome position (GRCh38, 1-based): chr4:56,501,716, C>T. VCF-style: chr4-56501716-C-T. GRCh37 (hg19) VCF-style: chr4-57367882-C-T.
Other names: c.1688C>T, p.Thr563Ile (NM_001267722.2); short protein forms T624I, T563I.
Identifiers: ClinVar variation 212306 (VCV000212306.8), dbSNP rs797046009, ClinGen allele CA206158.